The following is an entry in ClinVar:

NM_022437.3(ABCG8):c.479A>C (p.Asn160Thr)

Gene: ABCG8 (ATP binding cassette subfamily G member 8; plus strand). Cytogenetic location: 2p21.
Variant type: single nucleotide variant.
Coding change: c.479A>C on transcript NM_022437.3 (MANE Select); coding-DNA position 479, A replaced by C.
Protein change: p.Asn160Thr; replaces asparagine 160 with threonine.
Molecular consequence: missense variant.
Genome position (GRCh38, 1-based): chr2:43,851,740, A>C. VCF-style: chr2-43851740-A-C. GRCh37 (hg19) VCF-style: chr2-44078879-A-C.
Other names: c.479A>C, p.Asn160Thr (NM_001357321.2); short protein forms N160T.
Identifiers: ClinVar variation 2203055 (VCV002203055.4), dbSNP rs750352877, ClinGen allele CA346665458.
Genomic context (GRCh38, chr2:43,851,740, plus strand): 5'-CGCCTCAGCTGGTGAGGAAGTGTGTGGCCCACGTGCGCCAGCACAACCAGCTGCTCCCCA[A>C]CTTGACTGTGCGAGAGACCTTGGCCTTCATTGCCCAGATGCGGCTGCCCAGAACCTTCTC-3'
Protein context (NP_071882.1, residues 150-170): HVRQHNQLLP[Asn160Thr]LTVRETLAFI

ClinVar aggregate classification (germline): Uncertain significance (1 of 4 stars; one submission).

Allele frequency attached by ClinVar (database versions not stated): gnomAD 0.00001.
gnomAD v4.1: 21 of 1,614,100 alleles (0.0013%); highest among the groups gnomAD compares: Admixed American, 0.0017%; no homozygotes.

Submission:

Labcorp Genetics (formerly Invitae), Labcorp
Classification: Uncertain significance. Last evaluated: 2025-09-30. Review status: criteria provided, single submitter. Criteria: Invitae Variant Classification Sherloc (09022015). Collection method: clinical testing. Allele origin: germline.
Comment: This sequence change replaces asparagine, which is neutral and polar, with threonine, which is neutral and polar, at codon 160 of the ABCG8 protein (p.Asn160Thr). This variant is present in population databases (no rsID available, gnomAD 0.0009%). This missense change has been observed in individual(s) with clinical features of sitosterolemia (PMID: 24657386). ClinVar contains an entry for this variant (Variation ID: 2203055). Invitae Evidence Modeling of protein sequence and biophysical properties (such as structural, functional, and spatial information, amino acid conservation, physicochemical variation, residue mobility, and thermodynamic stability) indicates that this missense variant is not expected to disrupt ABCG8 protein function with a negative predictive value of 80%. In summary, the available evidence is currently insufficient to determine the role of this variant in disease. Therefore, it has been classified as a Variant of Uncertain Significance.

Literature cited by the submitters: PubMed 24657386.